The following is an entry in ClinVar:

NM_000372.5(TYR):c.11C>T (p.Ala4Val)

Gene: TYR (tyrosinase; plus strand). Cytogenetic location: 11q14.3.
Variant type: single nucleotide variant.
Coding change: c.11C>T on transcript NM_000372.5 (MANE Select); coding-DNA position 11, C replaced by T.
Protein change: p.Ala4Val; replaces alanine 4 with valine.
Molecular consequence: missense variant.
Genome position (GRCh38, 1-based): chr11:89,177,964, C>T. VCF-style: chr11-89177964-C-T. GRCh37 (hg19) VCF-style: chr11-88911132-C-T.
Other names: short protein forms A4V.
Identifiers: ClinVar variation 2107813 (VCV002107813.2), dbSNP rs1254138989, ClinGen allele CA382032912.
Genomic context (GRCh38, chr11:89,177,964, plus strand): 5'-GTGACTCCAATTAGCCAGTTCCTGCAGACCTTGTGAGGACTAGAGGAAGAATGCTCCTGG[C>T]TGTTTTGTACTGCCTGCTGTGGAGTTTCCAGACCTCCGCTGGCCATTTCCCTAGAGCCTG-3'
Protein context (NP_000363.1, residues 1-14): MLL[Ala4Val]VLYCLLWSFQ

ClinVar aggregate classification (germline): Uncertain significance (1 of 4 stars; one submission).

Allele frequency attached by ClinVar (database versions not stated): gnomAD 0.00001.
gnomAD v4.1: 21 of 1,613,982 alleles (0.0013%); highest among the groups gnomAD compares: Non-Finnish European, 0.0017%; no homozygotes.

Submission:

Labcorp Genetics (formerly Invitae), Labcorp
Classification: Uncertain significance. Last evaluated: 2024-05-22. Review status: criteria provided, single submitter. Criteria: Invitae Variant Classification Sherloc (09022015). Collection method: clinical testing. Allele origin: germline.
Comment: This sequence change replaces alanine, which is neutral and non-polar, with valine, which is neutral and non-polar, at codon 4 of the TYR protein (p.Ala4Val). This variant is present in population databases (no rsID available, gnomAD 0.0008%). This variant has not been reported in the literature in individuals affected with TYR-related conditions. ClinVar contains an entry for this variant (Variation ID: 2107813). Advanced modeling of protein sequence and biophysical properties (such as structural, functional, and spatial information, amino acid conservation, physicochemical variation, residue mobility, and thermodynamic stability) performed at Invitae indicates that this missense variant is not expected to disrupt TYR protein function with a negative predictive value of 95%. In summary, the available evidence is currently insufficient to determine the role of this variant in disease. Therefore, it has been classified as a Variant of Uncertain Significance.